The following is an entry in ClinVar:

NM_001384140.1(PCDH15):c.3195A>G (p.Gln1065=)

Gene: PCDH15 (protocadherin related 15; minus strand). Cytogenetic location: 10q21.1.
Variant type: single nucleotide variant.
Coding change: c.3195A>G on transcript NM_001384140.1 (MANE Select); coding-DNA position 3195, A replaced by G.
Protein change: p.Gln1065=; no amino-acid change (glutamine 1065 retained).
Molecular consequence: synonymous variant.
Genome position (GRCh38, 1-based): chr10:53,940,903, T>C on the plus strand (A>G on the coding strand, the complement: PCDH15 is on the minus strand). VCF-style: chr10-53940903-T-C. GRCh37 (hg19) VCF-style: chr10-55700663-T-C.
Other names: c.3210A>G, p.Gln1070= (NM_001142763.2, NM_001142771.2); c.3195A>G, p.Gln1065= (NM_001142764.2, NM_001142766.2, NM_001142770.3 and 4 more transcripts); c.2982A>G, p.Gln994= (NM_001142765.2); c.3084A>G, p.Gln1028= (NM_001142767.2); c.3129A>G, p.Gln1043= (NM_001142768.2, NM_001142773.2, NM_001354404.2); c.3231A>G, p.Gln1077= (NM_001142769.4); c.3216A>G, p.Gln1072= (NM_001354411.2).
Identifiers: ClinVar variation 300183 (VCV000300183.9), dbSNP rs776720353, ClinGen allele CA5505778.

ClinVar aggregate classification (germline): Conflicting classifications of pathogenicity. Review status: criteria provided, conflicting classifications (1 of 4 stars). 3 submissions from 3 submitters: Uncertain significance (1); Likely benign (2). Last evaluated 2018-04-09.

Conditions:
Usher syndrome type 1 (USH1). Also called: RETINITIS PIGMENTOSA AND CONGENITAL DEAFNESS. Identifiers: Orphanet 231169, Orphanet 886, MedGen C1568247, MONDO:0010168, OMIM 276900.

Allele frequency attached by ClinVar (database versions not stated): gnomAD exomes below 0.00001; ExAC 0.00001; gnomAD 0.00001; TOPMed 0.00001.
gnomAD v4.1: 6 of 1,613,590 alleles (0.00037%); highest among the groups gnomAD compares: Non-Finnish European, 0.00051%; no homozygotes.

Submissions (3):

GeneDx
Classification: Likely benign. Last evaluated: 2018-04-09. Review status: criteria provided, single submitter. Criteria: GeneDx Variant Classification (06012015). Collection method: clinical testing. Allele origin: germline. Affected: yes.
Comment: This variant is considered likely benign or benign based on one or more of the following criteria: it is a conservative change, it occurs at a poorly conserved position in the protein, it is predicted to be benign by multiple in silico algorithms, and/or has population frequency not consistent with disease.

Illumina Laboratory Services, Illumina
Classification: Uncertain significance for Usher syndrome type 1. Last evaluated: 2018-01-13. Review status: criteria provided, single submitter. Criteria: ICSL Variant Classification Criteria 13 December 2019. Collection method: clinical testing. Allele origin: germline.

Laboratory for Molecular Medicine, Mass General Brigham Personalized Medicine
Classification: Likely benign. Last evaluated: 2016-06-09. Review status: criteria provided, single submitter. Criteria: LMM Criteria. Collection method: clinical testing. Allele origin: germline. Observed: 1 variant allele.
Comment: p.Gln1065Gln in exon 24 of PCDH15: This variant is not expected to have clinical significance because it does not alter an amino acid residue and is not located within the splice consensus sequence. It has been identified in 1/66596 Europea n chromosomes by the Exome Aggregation Consortium (ExAC; dbSNP rs776720353).